The following is an entry in ClinVar:

ClinVar aggregate classification (germline): Uncertain significance (1 of 4 stars; one submission).

Allele frequency attached by ClinVar (database versions not stated): ExAC 0.00001.
gnomAD v4.1: 2 of 1,613,268 alleles (0.00012%); highest among the groups gnomAD compares: Admixed American, 0.0033%; no homozygotes.

Submission:

Labcorp Genetics (formerly Invitae), Labcorp
Classification: Uncertain significance. Last evaluated: 2022-10-18. Review status: criteria provided, single submitter. Criteria: Invitae Variant Classification Sherloc (09022015). Collection method: clinical testing. Allele origin: germline.
Comment: In summary, the available evidence is currently insufficient to determine the role of this variant in disease. Therefore, it has been classified as a Variant of Uncertain Significance. Advanced modeling of protein sequence and biophysical properties (such as structural, functional, and spatial information, amino acid conservation, physicochemical variation, residue mobility, and thermodynamic stability) performed at Invitae indicates that this missense variant is not expected to disrupt HERC1 protein function. This variant has not been reported in the literature in individuals affected with HERC1-related conditions. This variant is present in population databases (rs780612896, gnomAD 0.003%). This sequence change replaces arginine, which is basic and polar, with glycine, which is neutral and non-polar, at codon 2765 of the HERC1 protein (p.Arg2765Gly).

NM_003922.4(HERC1):c.8293C>G (p.Arg2765Gly)

Gene: HERC1 (HECT and RLD domain containing E3 ubiquitin protein ligase family member 1; minus strand). Cytogenetic location: 15q22.31.
Variant type: single nucleotide variant.
Coding change: c.8293C>G on transcript NM_003922.4 (MANE Select); coding-DNA position 8293, C replaced by G.
Protein change: p.Arg2765Gly; replaces arginine 2765 with glycine.
Molecular consequence: missense variant.
Genome position (GRCh38, 1-based): chr15:63,666,386, G>C on the plus strand (C>G on the coding strand, the complement: HERC1 is on the minus strand). VCF-style: chr15-63666386-G-C. GRCh37 (hg19) VCF-style: chr15-63958585-G-C.
Other names: short protein forms R2765G.
Identifiers: ClinVar variation 2099947 (VCV002099947.4), dbSNP rs780612896, ClinGen allele CA7604981.